The following is an entry in ClinVar:

ClinVar aggregate classification (germline): Uncertain significance (1 of 4 stars; one submission).

Allele frequency attached by ClinVar (database versions not stated): gnomAD exomes below 0.00001.

Submission:

Labcorp Genetics (formerly Invitae), Labcorp
Classification: Uncertain significance. Last evaluated: 2024-12-20. Review status: criteria provided, single submitter. Criteria: Invitae Variant Classification Sherloc (09022015). Collection method: clinical testing. Allele origin: germline.
Comment: This sequence change replaces threonine, which is neutral and polar, with serine, which is neutral and polar, at codon 146 of the THBD protein (p.Thr146Ser). This variant is not present in population databases (gnomAD no frequency). This variant has not been reported in the literature in individuals affected with THBD-related conditions. ClinVar contains an entry for this variant (Variation ID: 2048690). An algorithm developed to predict the effect of missense changes on protein structure and function outputs the following: PolyPhen-2: "Benign". The serine amino acid residue is found in multiple mammalian species, which suggests that this missense change does not adversely affect protein function. In summary, the available evidence is currently insufficient to determine the role of this variant in disease. Therefore, it has been classified as a Variant of Uncertain Significance.

NM_000361.3(THBD):c.436A>T (p.Thr146Ser)

Gene: THBD (thrombomodulin; minus strand). Cytogenetic location: 20p11.21.
Variant type: single nucleotide variant.
Coding change: c.436A>T on transcript NM_000361.3 (MANE Select); coding-DNA position 436, A replaced by T.
Protein change: p.Thr146Ser; replaces threonine 146 with serine.
Molecular consequence: missense variant.
Genome position (GRCh38, 1-based): chr20:23,049,069, T>A on the plus strand (A>T on the coding strand, the complement: THBD is on the minus strand). VCF-style: chr20-23049069-T-A. GRCh37 (hg19) VCF-style: chr20-23029706-T-A.
Other names: short protein forms T146S.
Identifiers: ClinVar variation 2048690 (VCV002048690.4), dbSNP rs2515205390, ClinGen allele CA408407691.